The following is an entry in ClinVar:

ClinVar aggregate classification (germline): Likely benign (1 of 4 stars; one submission).

gnomAD v4.1: 5 of 1,205,102 alleles (0.00041%); highest among the groups gnomAD compares: Non-Finnish European, 0.00056%; no homozygotes.

Submission:

CeGaT Center for Human Genetics Tuebingen
Classification: Likely benign. Last evaluated: 2024-08-01. Review status: criteria provided, single submitter. Criteria: CeGaT Center For Human Genetics Tuebingen Variant Classification Criteria Version 2. Collection method: clinical testing. Allele origin: germline. Affected: yes. Observed: 1 variant allele.
Comment: PORCN: BP4

NM_203475.3(PORCN):c.947-6C>G

Gene: PORCN (porcupine O-acyltransferase; plus strand). Cytogenetic location: Xp11.23.
Variant type: single nucleotide variant.
Coding change: c.947-6C>G on transcript NM_203475.3 (MANE Select); 6 bases into the intron before coding-DNA position 947, C replaced by G.
Molecular consequence: intron variant.
Genome position (GRCh38, 1-based): chrX:48,515,711, C>G. VCF-style: chrX-48515711-C-G. GRCh37 (hg19) VCF-style: chrX-48374099-C-G.
Other names: c.914-6C>G (NM_022825.4); c.929-6C>G (NM_203474.1); c.701-6C>G (NM_001282167.2); c.932-6C>G (NM_203473.3).
Identifiers: ClinVar variation 3341784 (VCV003341784.16).